The following is an entry in ClinVar:

ClinVar aggregate classification (germline): Uncertain significance (1 of 4 stars; one submission).

Allele frequency attached by ClinVar (database versions not stated): gnomAD exomes below 0.00001.
gnomAD v4.1: 1 of 1,614,238 alleles (0.000062%); highest among the groups gnomAD compares: African/African-American, 0.0013%; no homozygotes.

Submission:

Labcorp Genetics (formerly Invitae), Labcorp
Classification: Uncertain significance. Last evaluated: 2021-12-23. Review status: criteria provided, single submitter. Criteria: Invitae Variant Classification Sherloc (09022015). Collection method: clinical testing. Allele origin: germline.
Comment: In summary, the available evidence is currently insufficient to determine the role of this variant in disease. Therefore, it has been classified as a Variant of Uncertain Significance. This sequence change replaces cysteine, which is neutral and slightly polar, with arginine, which is basic and polar, at codon 128 of the FZD4 protein (p.Cys128Arg). This variant is not present in population databases (gnomAD no frequency). This missense change has been observed in individual(s) with familial exudative vitreoretinopathy (PMID: 30452590). Algorithms developed to predict the effect of missense changes on protein structure and function (SIFT, PolyPhen-2, Align-GVGD) all suggest that this variant is likely to be disruptive.

Literature cited by the submitters: PubMed 30452590.

NM_012193.4(FZD4):c.382T>C (p.Cys128Arg)

Genes: FZD4 (frizzled class receptor 4; minus strand), PRSS23 (serine protease 23; plus strand). Cytogenetic location: 11q14.2.
Variant type: single nucleotide variant.
Coding change: c.382T>C on transcript NM_012193.4 (MANE Select); coding-DNA position 382, T replaced by C.
Protein change: p.Cys128Arg; replaces cysteine 128 with arginine.
Molecular consequence: missense variant. On other transcripts: non-coding transcript variant (2).
Genome position (GRCh38, 1-based): chr11:86,952,374, A>G on the plus strand (T>C on the coding strand, the complement: FZD4 is on the minus strand). VCF-style: chr11-86952374-A-G. GRCh37 (hg19) VCF-style: chr11-86663416-A-G.
Other names: short protein forms C128R.
Identifiers: ClinVar variation 2169559 (VCV002169559.4), dbSNP rs2495868958, ClinGen allele CA382016885.